The following is an entry in ClinVar:

NM_001101.5(ACTB):c.582C>T (p.Thr194=)

Gene: ACTB (actin beta; minus strand). Cytogenetic location: 7p22.1.
Variant type: single nucleotide variant.
Coding change: c.582C>T on transcript NM_001101.5 (MANE Select); coding-DNA position 582, C replaced by T.
Protein change: p.Thr194=; no amino-acid change (threonine 194 retained).
Molecular consequence: synonymous variant.
Genome position (GRCh38, 1-based): chr7:5,528,501, G>A on the plus strand (C>T on the coding strand, the complement: ACTB is on the minus strand). VCF-style: chr7-5528501-G-A. GRCh37 (hg19) VCF-style: chr7-5568132-G-A.
Identifiers: ClinVar variation 699879 (VCV000699879.30), dbSNP rs552927665, ClinGen allele CA4146985.
Genomic context (GRCh38, chr7:5,528,501, plus strand): 5'-CTCCTTAATGTCACGCACGATTTCCCGCTCGGCCGTGGTGGTGAAGCTGTAGCCGCGCTC[G>A]GTGAGGATCTTCATGAGGTAGTCAGTCAGGTCCCGGCCAGCCAGGTCCAGACGCAGGATG-3'
Protein context (NP_001092.1, residues 184-204): DLTDYLMKIL[Thr194=]ERGYSFTTTA

ClinVar aggregate classification (germline): Likely benign. Review status: criteria provided, multiple submitters, no conflicts (2 of 4 stars). 4 submissions from 4 submitters: Likely benign (3). 1 of the submissions does not count toward it. Last evaluated 2026-07-01.

Conditions:
Baraitser-Winter syndrome 1 (BRWS1). Also called: BARAITSER-WINTER SYNDROME 1, ATYPICAL; PACHYGYRIA, MENTAL RETARDATION, EPILEPSY, AND CHARACTERISTIC FACIES; MENTAL RETARDATION WITH EPILEPSY AND CHARACTERISTIC FACIES; Cerebrofrontofacial syndrome. Identifiers: Orphanet 2649, Orphanet 2995, MedGen C1855722, MONDO:0009470, OMIM 243310.
ACTB-related disorder. Also called: ACTB-related disorders; ACTB-related condition.

Allele frequency attached by ClinVar (database versions not stated): gnomAD 0.00004 and 0.00006; TOPMed 0.00009; gnomAD exomes 0.00010 and 0.00013; ExAC 0.00011.
gnomAD v4.1: 196 of 1,613,960 alleles (0.012%); highest among the groups gnomAD compares: Middle Eastern, 0.016%; no homozygotes.

Submissions (4):

CeGaT Center for Human Genetics Tuebingen
Classification: Likely benign. Last evaluated: 2026-07-01. Review status: criteria provided, single submitter. Criteria: CeGaT Center For Human Genetics Tuebingen Variant Classification Criteria Version 2. Collection method: clinical testing. Allele origin: germline. Affected: yes. Observed: 2 variant alleles.
Comment: ACTB: BP4, BP7

Labcorp Genetics (formerly Invitae), Labcorp
Classification: Likely benign for Baraitser-Winter syndrome 1. Last evaluated: 2025-12-16. Review status: criteria provided, single submitter. Criteria: Invitae Variant Classification Sherloc (09022015). Collection method: clinical testing. Allele origin: germline.

Blueprint Genetics
Classification: Likely benign. Last evaluated: 2024-08-21. Review status: criteria provided, single submitter. Criteria: ACMG Guidelines, 2015. Collection method: clinical testing. Allele origin: germline.

PreventionGenetics, part of Exact Sciences
Classification: Likely benign for ACTB-related condition. Last evaluated: 2019-10-15. Review status: no assertion criteria provided. Collection method: clinical testing. Allele origin: germline. Not counted in ClinVar's aggregate classification.
Comment: This variant is classified as likely benign based on ACMG/AMP sequence variant interpretation guidelines (Richards et al. 2015 PMID: 25741868, with internal and published modifications).